The following is an entry in ClinVar:

NM_016203.4(PRKAG2):c.1648A>C (p.Ile550Leu)

Gene: PRKAG2 (protein kinase AMP-activated non-catalytic subunit gamma 2; minus strand). Cytogenetic location: 7q36.1.
Variant type: single nucleotide variant.
Coding change: c.1648A>C on transcript NM_016203.4 (MANE Select); coding-DNA position 1648, A replaced by C.
Protein change: p.Ile550Leu; replaces isoleucine 550 with leucine.
Molecular consequence: missense variant.
Genome position (GRCh38, 1-based): chr7:151,560,554, T>G on the plus strand (A>C on the coding strand, the complement: PRKAG2 is on the minus strand). VCF-style: chr7-151560554-T-G. GRCh37 (hg19) VCF-style: chr7-151257640-T-G.
Other names: c.1516A>C, p.Ile506Leu (NM_001040633.2); c.1273A>C, p.Ile425Leu (NM_001304527.2); c.925A>C, p.Ile309Leu (NM_001304531.2, NM_024429.2); c.1276A>C, p.Ile426Leu (NM_001363698.2); short protein forms I309L, I425L, I426L, I506L, I550L.
Identifiers: ClinVar variation 1001999 (VCV001001999.8), dbSNP rs752198913, ClinGen allele CA055698.

ClinVar aggregate classification (germline): Uncertain significance (1 of 4 stars; one submission).

Conditions:
Lethal congenital glycogen storage disease of heart. Also called: GLYCOGEN STORAGE DISEASE OF HEART; PHOSPHORYLASE KINASE DEFICIENCY OF HEART. Identifiers: Orphanet 439854, MedGen C1849813, MONDO:0009867, OMIM 261740.

Allele frequency attached by ClinVar (database versions not stated): gnomAD exomes 0.00001 and 0.00002; ExAC 0.00003.
gnomAD v4.1: 10 of 1,614,138 alleles (0.00062%); highest among the groups gnomAD compares: Non-Finnish European, 0.00076%; no homozygotes.

Submission:

Labcorp Genetics (formerly Invitae), Labcorp
Classification: Uncertain significance for Lethal congenital glycogen storage disease of heart. Last evaluated: 2022-05-31. Review status: criteria provided, single submitter. Criteria: Invitae Variant Classification Sherloc (09022015). Collection method: clinical testing. Allele origin: germline.
Comment: In summary, the available evidence is currently insufficient to determine the role of this variant in disease. Therefore, it has been classified as a Variant of Uncertain Significance. Algorithms developed to predict the effect of missense changes on protein structure and function are either unavailable or do not agree on the potential impact of this missense change (SIFT: "Deleterious"; PolyPhen-2: "Possibly Damaging"; Align-GVGD: "Class C0"). ClinVar contains an entry for this variant (Variation ID: 1001999). This missense change has been observed in individual(s) with hypertrophic cardiomyopathy (PMID: 27532257). This variant is present in population databases (rs752198913, gnomAD 0.004%). This sequence change replaces isoleucine, which is neutral and non-polar, with leucine, which is neutral and non-polar, at codon 550 of the PRKAG2 protein (p.Ile550Leu).

Literature cited by the submitters: PubMed 27532257.